The following is an entry in ClinVar:

ClinVar aggregate classification (germline): Uncertain significance (1 of 4 stars; one submission).

Conditions:
Severe combined immunodeficiency due to DNA-PKcs deficiency. Also called: IMMUNODEFICIENCY 26 WITH NEUROLOGIC ABNORMALITIES; Immunodeficiency 26 with or without neurologic abnormalities. Identifiers: Orphanet 317425, MedGen C4014833, MONDO:0014423, OMIM 615966.

Allele frequency attached by ClinVar (database versions not stated): gnomAD 0.00001; gnomAD exomes 0.00001 and 0.00003; ExAC 0.00006.
gnomAD v4.1: 14 of 1,613,840 alleles (0.00087%); highest among the groups gnomAD compares: Non-Finnish European, 0.0011%; no homozygotes.

Submission:

Labcorp Genetics (formerly Invitae), Labcorp
Classification: Uncertain significance for Severe combined immunodeficiency due to DNA-PKcs deficiency. Last evaluated: 2024-11-11. Review status: criteria provided, single submitter. Criteria: Invitae Variant Classification Sherloc (09022015). Collection method: clinical testing. Allele origin: germline.
Comment: This sequence change replaces leucine, which is neutral and non-polar, with methionine, which is neutral and non-polar, at codon 2771 of the PRKDC protein (p.Leu2771Met). This variant is present in population databases (rs775561710, gnomAD 0.007%). This variant has not been reported in the literature in individuals affected with PRKDC-related conditions. ClinVar contains an entry for this variant (Variation ID: 1461662). Invitae Evidence Modeling of protein sequence and biophysical properties (such as structural, functional, and spatial information, amino acid conservation, physicochemical variation, residue mobility, and thermodynamic stability) indicates that this missense variant is not expected to disrupt PRKDC protein function with a negative predictive value of 80%. In summary, the available evidence is currently insufficient to determine the role of this variant in disease. Therefore, it has been classified as a Variant of Uncertain Significance.

NM_006904.7(PRKDC):c.8311C>A (p.Leu2771Met)

Gene: PRKDC (protein kinase, DNA-activated, catalytic subunit; minus strand). Cytogenetic location: 8q11.21.
Variant type: single nucleotide variant.
Coding change: c.8311C>A on transcript NM_006904.7 (MANE Select); coding-DNA position 8311, C replaced by A.
Protein change: p.Leu2771Met; replaces leucine 2771 with methionine.
Molecular consequence: missense variant.
Genome position (GRCh38, 1-based): chr8:47,830,691, G>T on the plus strand (C>A on the coding strand, the complement: PRKDC is on the minus strand). VCF-style: chr8-47830691-G-T. GRCh37 (hg19) VCF-style: chr8-48743252-G-T.
Other names: c.8311C>A, p.Leu2771Met (NM_001081640.2); short protein forms L2771M.
Identifiers: ClinVar variation 1461662 (VCV001461662.6), dbSNP rs775561710, ClinGen allele CA4739855.